The following is an entry in ClinVar:

ClinVar aggregate classification (germline): Uncertain significance (1 of 4 stars; one submission).

Conditions:
Symmetrical dyschromatosis of extremities (DSH). Also called: DYSCHROMATOSIS SYMMETRICA HEREDITARIA 1; RETICULATE ACROPIGMENTATION OF DOHI; SYMMETRIC DYSCHROMATOSIS OF THE EXTREMITIES; Dyschromatosis symmetrica hereditaria. Identifiers: Orphanet 41, MedGen C0406775, MONDO:0007483, OMIM 127400.
Aicardi-Goutieres syndrome 6 (AGS6). Identifiers: Orphanet 51, MedGen C3539013, MONDO:0014007, OMIM 615010.

Submission:

Labcorp Genetics (formerly Invitae), Labcorp
Classification: Uncertain significance for Aicardi-Goutieres syndrome 6; Symmetrical dyschromatosis of extremities. Last evaluated: 2020-03-03. Review status: criteria provided, single submitter. Criteria: Invitae Variant Classification Sherloc (09022015). Collection method: clinical testing. Allele origin: germline.
Comment: This variant has not been reported in the literature in individuals with ADAR-related disease. In summary, the available evidence is currently insufficient to determine the role of this variant in disease. Therefore, it has been classified as a Variant of Uncertain Significance. Algorithms developed to predict the effect of missense changes on protein structure and function do not agree on the potential impact of this missense change (SIFT: "Deleterious"; PolyPhen-2: "Probably Damaging"; Align-GVGD: "Class C0"). This variant is not present in population databases (ExAC no frequency). This sequence change replaces alanine with glycine at codon 1195 of the ADAR protein (p.Ala1195Gly). The alanine residue is highly conserved and there is a small physicochemical difference between alanine and glycine.

NM_001111.5(ADAR):c.3584C>G (p.Ala1195Gly)

Gene: ADAR (adenosine deaminase RNA specific; minus strand). Cytogenetic location: 1q21.3.
Variant type: single nucleotide variant.
Coding change: c.3584C>G on transcript NM_001111.5 (MANE Select); coding-DNA position 3584, C replaced by G.
Protein change: p.Ala1195Gly; replaces alanine 1195 with glycine.
Molecular consequence: missense variant.
Genome position (GRCh38, 1-based): chr1:154,584,903, G>C on the plus strand (C>G on the coding strand, the complement: ADAR is on the minus strand). VCF-style: chr1-154584903-G-C. GRCh37 (hg19) VCF-style: chr1-154557379-G-C.
Other names: c.2699C>G, p.Ala900Gly (NM_001025107.3, NM_001193495.2, NM_001365046.1 and 2 more transcripts); c.3611C>G, p.Ala1204Gly (NM_001365045.1); c.2621C>G, p.Ala874Gly (NM_001365049.1); c.3506C>G, p.Ala1169Gly (NM_015840.4); c.3449C>G, p.Ala1150Gly (NM_015841.4); c.3584C>G, p.Ala1195Gly (LRG_1212t1); short protein forms A1195G, A1204G, A1150G, A900G, A1169G, A874G.
Identifiers: ClinVar variation 540261 (VCV000540261.8), dbSNP rs986264460, ClinGen allele CA30848578.